The following is an entry in ClinVar:

ClinVar aggregate classification (germline): Uncertain significance (1 of 4 stars; one submission).

Conditions:
SLC17A8-related disorder. Also called: SLC17A8-related condition.

Submission:

PreventionGenetics, part of Exact Sciences
Classification: Uncertain significance for SLC17A8-related condition. Last evaluated: 2025-08-04. Review status: criteria provided, single submitter. Criteria: ACMG Guidelines, 2015. Collection method: clinical testing. Allele origin: germline.
Comment: The SLC17A8 c.1243G>A variant is predicted to result in the amino acid substitution p.Val415Met. To our knowledge, this variant has not been reported in the literature. This variant is reported in 0.020% of alleles in individuals of African descent in gnomAD. Although we suspect that this variant may be benign, at this time, the clinical significance of this variant is uncertain due to the absence of conclusive functional and genetic evidence.

NM_139319.3(SLC17A8):c.1243G>A (p.Val415Met)

Gene: SLC17A8 (solute carrier family 17 member 8; plus strand). Cytogenetic location: 12q23.1.
Variant type: single nucleotide variant.
Coding change: c.1243G>A on transcript NM_139319.3 (MANE Select); coding-DNA position 1243, G replaced by A.
Protein change: p.Val415Met; replaces valine 415 with methionine.
Molecular consequence: missense variant.
Genome position (GRCh38, 1-based): chr12:100,412,826, G>A. VCF-style: chr12-100412826-G-A. GRCh37 (hg19) VCF-style: chr12-100806604-G-A.
Other names: c.1093G>A, p.Val365Met (NM_001145288.2); short protein forms V365M, V415M.
Identifiers: ClinVar variation 4990233 (VCV004990233.1).